The following is an entry in ClinVar:

ClinVar aggregate classification (germline): Uncertain significance. Review status: criteria provided, multiple submitters, no conflicts (2 of 4 stars). 2 submissions from 2 submitters: Uncertain significance (2). Last evaluated 2025-07-02.

Conditions:
Inborn genetic diseases. Identifiers: MedGen C0950123, MeSH D030342.

Allele frequency attached by ClinVar (database versions not stated): gnomAD exomes below 0.00001; TOPMed below 0.00001.
gnomAD v4.1: 7 of 1,587,706 alleles (0.00044%); highest among the groups gnomAD compares: Non-Finnish European, 0.000085%; no homozygotes.

Submissions (2):

GeneDx
Classification: Uncertain significance. Last evaluated: 2025-07-02. Review status: criteria provided, single submitter. Criteria: GeneDx Variant Classification Process June 2021. Collection method: clinical testing. Allele origin: germline. Affected: yes.
Comment: In silico analysis supports that this missense variant has a deleterious effect on protein structure/function; Has not been previously published as pathogenic or benign to our knowledge

Ambry Genetics
Classification: Uncertain significance for Inborn genetic diseases. Last evaluated: 2023-02-23. Review status: criteria provided, single submitter. Criteria: Ambry Variant Classification Scheme 2023. Collection method: clinical testing. Allele origin: germline.

NM_013436.5(NCKAP1):c.44A>G (p.Glu15Gly)

Gene: NCKAP1 (NCK associated protein 1; minus strand). Cytogenetic location: 2q32.1.
Variant type: single nucleotide variant.
Coding change: c.44A>G on transcript NM_013436.5 (MANE Select); coding-DNA position 44, A replaced by G.
Protein change: p.Glu15Gly; replaces glutamic acid 15 with glycine.
Molecular consequence: missense variant.
Genome position (GRCh38, 1-based): chr2:183,038,056, T>C on the plus strand (A>G on the coding strand, the complement: NCKAP1 is on the minus strand). VCF-style: chr2-183038056-T-C. GRCh37 (hg19) VCF-style: chr2-183902784-T-C.
Other names: c.44A>G (NM_205842.2); c.44A>G, p.Glu15Gly (NM_205842.3); short protein forms E15G.
Identifiers: ClinVar variation 2488131 (VCV002488131.3), dbSNP rs1184593257, ClinGen allele CA349758106.
Genomic context (GRCh38, chr2:183,038,056, plus strand): 5'-TTGATGTTGTAGAGGCGGGTGAGCATGCCGACGCCCCGGTCGTTGAGGATGGTGAGCTTC[T>C]CCGCCAGCTTCTGCTGACTGGGCTGCAGCACTGAGCGCGACATGGTGGTGCTGGTGCCGC-3'
Protein context (NP_038464.1, residues 5-25): VLQPSQQKLA[Glu15Gly]KLTILNDRGV